The following is an entry in ClinVar:

NM_001267550.2(TTN):c.40498G>T (p.Val13500Phe)

Gene: TTN (titin; minus strand). Cytogenetic location: 2q31.2.
Variant type: single nucleotide variant.
Coding change: c.40498G>T on transcript NM_001267550.2 (MANE Select); coding-DNA position 40498, G replaced by T.
Protein change: p.Val13500Phe; replaces valine 13500 with phenylalanine.
Molecular consequence: missense variant.
Genome position (GRCh38, 1-based): chr2:178,642,297, C>A on the plus strand (G>T on the coding strand, the complement: TTN is on the minus strand). VCF-style: chr2-178642297-C-A. GRCh37 (hg19) VCF-style: chr2-179507024-C-A.
Other names: p.V11859F:GTT>TTT; c.35575G>T, p.Val11859Phe (NM_001256850.1); c.13303G>T, p.Val4435Phe (NM_003319.4); c.32794G>T, p.Val10932Phe (NM_133378.4); c.13678G>T, p.Val4560Phe (NM_133432.3); c.13879G>T, p.Val4627Phe (NM_133437.4); short protein forms V13500F, V10932F, V11859F, V4435F, V4560F, V4627F.
Identifiers: ClinVar variation 46935 (VCV000046935.88), dbSNP rs201944202, ClinGen allele CA139563.

ClinVar aggregate classification (germline): Conflicting classifications of pathogenicity. Review status: criteria provided, conflicting classifications (1 of 4 stars). 25 submissions from 21 submitters: Uncertain significance (6); Benign (3); Likely benign (10). 6 of the submissions do not count toward it. Last evaluated 2026-02-03.

Conditions:
Cardiovascular phenotype. Identifiers: MedGen CN230736.
TTN-related disorder. Also called: TTN-related disorders; TTN-related condition; TTN-related disease.
Dilated cardiomyopathy 1G (CMD1G). Identifiers: Orphanet 154, MedGen C1858763, MONDO:0011400, OMIM 604145.
Autosomal recessive limb-girdle muscular dystrophy type 2J (LGMDR10). Also called: MUSCULAR DYSTROPHY, LIMB-GIRDLE, AUTOSOMAL RECESSIVE 10; Limb-girdle muscular dystrophy, type 2J. Identifiers: Orphanet 140922, MedGen C1837342, MONDO:0012127, OMIM 608807.
Cardiomyopathy (CMYO). Also called: Cardiomyopathies. Identifiers: Orphanet 167848, MedGen C0878544, MONDO:0004994, HP:0001638. Inheritance: Various modes of inheritance.
Early-onset myopathy with fatal cardiomyopathy (CMYO5). Also called: CONGENITAL MYOPATHY 5 WITH CARDIOMYOPATHY; Salih Myopathy. Identifiers: Orphanet 289377, MedGen C2673677, MONDO:0012714, OMIM 611705. Disease mechanism: loss of function.
Tibial muscular dystrophy (TMD). Also called: Udd Distal Myopathy – Tibial Muscular Dystrophy; Tibial muscular dystrophy, tardive; UDD MYOPATHY. Identifiers: Orphanet 609, MedGen C1838244, MONDO:0010870, OMIM 600334.
Myopathy, myofibrillar, 9, with early respiratory failure (MFM9). Also called: Myopathy, distal, with early respiratory failure, autosomal dominant; Hereditary myopathy with early respiratory failure; MYOPATHY, PROXIMAL, WITH EARLY RESPIRATORY MUSCLE INVOLVEMENT; EDSTROM MYOPATHY. Identifiers: Orphanet 178464, Orphanet 34521, MedGen C1863599, MONDO:0011362, OMIM 603689.

Allele frequency attached by ClinVar (database versions not stated): TOPMed 0.00066; 1000 Genomes Project 0.00020; 1000 Genomes Project 30x 0.00031; gnomAD 0.00065 and 0.00066; ExAC 0.00104; ESP Exome Variant Server 0.00043; gnomAD exomes 0.00058.
gnomAD v4.1: 2,480 of 1,593,510 alleles (0.16%); highest among the groups gnomAD compares: Non-Finnish European, 0.2%; 3 homozygotes.

Submissions (25):

Labcorp Genetics (formerly Invitae), Labcorp
Classification: Likely benign for Dilated cardiomyopathy 1G; Autosomal recessive limb-girdle muscular dystrophy type 2J. Last evaluated: 2026-02-03. Review status: criteria provided, single submitter. Criteria: Invitae Variant Classification Sherloc (09022015). Collection method: clinical testing. Allele origin: germline.

CeGaT Center for Human Genetics Tuebingen
Classification: Likely benign. Last evaluated: 2026-02-01. Review status: criteria provided, single submitter. Criteria: CeGaT Center For Human Genetics Tuebingen Variant Classification Criteria Version 2. Collection method: clinical testing. Allele origin: germline. Affected: yes. Observed: 5 variant alleles.
Comment: TTN: BS2

ARUP Laboratories, Molecular Genetics and Genomics, ARUP Laboratories
Classification: Uncertain significance. Last evaluated: 2025-05-09. Review status: criteria provided, single submitter. Criteria: ARUP Molecular Germline Variant Investigation Process 2024. Collection method: clinical testing. Allele origin: germline.
Comment: The TTN c.40498G>T; p.Val13500Phe variant (rs201944202; ClinVar Variation ID: 46935) is rare in the general population (<0.2% allele frequency in the Genome Aggregation Database) and has not been reported in the medical literature in association with dilated cardiomyopathy (DCM) or other TTN-related disease. The clinical relevance of rare missense variants in this gene, which are identified on average once per individual sequenced in affected populations (Herman 2012), is not well understood. Yet, evidence suggests that the vast majority of such missense variants do not contribute to the clinical outcome of DCM (Begay 2015). Thus, the clinical significance of the p.Val13500Phe variant cannot be determined with certainty. References: Begay RL et al. Role of Titin Missense Variants in Dilated Cardiomyopathy. J Am Heart Assoc. 2015 Nov 13;4(11). PMID: 26567375. Herman DS et al. Truncations of titin causing dilated cardiomyopathy. N Engl J Med. 2012 Feb 16;366(7):619-28. PMID: 22335739. Linke WA and Hamdani N. Gigantic business: titin properties and function through thick and thin. Circ Res 2014; 114(6): 1052-1068. PMID: 24625729.

Molecular Diagnostic Laboratory for Inherited Cardiovascular Disease, Montreal Heart Institute
Classification: Likely benign. Last evaluated: 2025-04-09. Review status: criteria provided, single submitter. Criteria: ACMG Guidelines, 2015. Collection method: clinical testing. Allele origin: germline. Affected: no.
Comment: BS1;BP1

Athena Diagnostics
Classification: Likely benign. Last evaluated: 2025-04-08. Review status: criteria provided, single submitter. Criteria: Athena Diagnostics Criteria. Collection method: clinical testing. Allele origin: unknown.
Comment: The frequency of this variant in the general population is higher than would generally be expected for pathogenic variants in this gene. Computational tools predict this amino acid change may be benign.

Blueprint Genetics
Classification: Likely benign. Last evaluated: 2024-11-14. Review status: criteria provided, single submitter. Criteria: ACMG Guidelines, 2015. Collection method: clinical testing. Allele origin: germline.

Mayo Clinic Laboratories, Mayo Clinic
Classification: Uncertain significance. Last evaluated: 2023-05-26. Review status: criteria provided, single submitter. Criteria: ACMG Guidelines, 2015. Collection method: clinical testing. Allele origin: germline. Observed: 4 variant alleles.
Comment: BP4

Women's Health and Genetics/Laboratory Corporation of America, LabCorp
Classification: Likely benign. Last evaluated: 2022-04-09. Review status: criteria provided, single submitter. Criteria: LabCorp Variant Classification Summary - May 2015. Collection method: clinical testing. Allele origin: germline.

GeneDx
Classification: Likely benign. Last evaluated: 2020-12-04. Review status: criteria provided, single submitter. Criteria: GeneDx Variant Classification Process June 2021. Collection method: clinical testing. Allele origin: germline. Affected: yes.
Comment: This variant is associated with the following publications: (PMID: 23861362)

CHEO Genetics Diagnostic Laboratory, Children's Hospital of Eastern Ontario
Classification: Benign for Cardiomyopathy. Last evaluated: 2019-08-09. Review status: criteria provided, single submitter. Criteria: ACMG Guidelines, 2015. Collection method: clinical testing. Allele origin: germline.

Laboratory for Molecular Medicine, Mass General Brigham Personalized Medicine
Classification: Likely benign. Last evaluated: 2018-11-26. Review status: criteria provided, single submitter. Criteria: LMM Criteria. Collection method: clinical testing. Allele origin: germline. Observed: 3 variant alleles.
Comment: The p.Val10932Phe variant in TTN is classified as likely benign because it has b een identified in 0.1% (132/111288) of European chromosomes by gnomAD. ACMG/AMP Criteria applied: BS1.

Ambry Genetics
Classification: Likely benign for Cardiovascular phenotype. Last evaluated: 2018-07-10. Review status: criteria provided, single submitter. Criteria: Ambry Variant Classification Scheme 2023. Collection method: clinical testing. Allele origin: germline.

Illumina Laboratory Services, Illumina
Classification: Benign for Myopathy, myofibrillar, 9, with early respiratory failure. Last evaluated: 2018-01-12. Review status: criteria provided, single submitter. Criteria: ICSL Variant Classification Criteria 13 December 2019. Collection method: clinical testing. Allele origin: germline.
Comment: This variant was observed in the ICSL laboratory as part of a predisposition screen in an ostensibly healthy population. It had not been previously curated by ICSL or reported in the Human Gene Mutation Database (HGMD: prior to June 1st, 2018), and was therefore a candidate for classification through an automated scoring system. Utilizing variant allele frequency, disease prevalence and penetrance estimates, and inheritance mode, an automated score was calculated to assess if this variant is too frequent to cause the disease. Based on the score and internal cut-off values, a variant classified as benign is not then subjected to further curation. The score for this variant resulted in a classification of benign for this disease.

Illumina Laboratory Services, Illumina
Classification: Benign for Tibial muscular dystrophy. Last evaluated: 2018-01-12. Review status: criteria provided, single submitter. Criteria: ICSL Variant Classification Criteria 13 December 2019. Collection method: clinical testing. Allele origin: germline.
Comment: the same text as in the submission from Illumina Laboratory Services, Illumina above.

Illumina Laboratory Services, Illumina
Classification: Uncertain significance for Dilated cardiomyopathy 1G. Last evaluated: 2018-01-12. Review status: criteria provided, single submitter. Criteria: ICSL Variant Classification Criteria 13 December 2019. Collection method: clinical testing. Allele origin: germline.

Illumina Laboratory Services, Illumina
Classification: Uncertain significance for Early-onset myopathy with fatal cardiomyopathy. Last evaluated: 2018-01-12. Review status: criteria provided, single submitter. Criteria: ICSL Variant Classification Criteria 13 December 2019. Collection method: clinical testing. Allele origin: germline.

Illumina Laboratory Services, Illumina
Classification: Uncertain significance for Autosomal recessive limb-girdle muscular dystrophy type 2J. Last evaluated: 2018-01-12. Review status: criteria provided, single submitter. Criteria: ICSL Variant Classification Criteria 13 December 2019. Collection method: clinical testing. Allele origin: germline.

Eurofins Ntd Llc (ga)
Classification: Uncertain significance. Last evaluated: 2016-01-14. Review status: criteria provided, single submitter. Criteria: EGL Classification Definitions 2015. Collection method: clinical testing. Allele origin: germline. Observed: 4 variant alleles, 3 heterozygotes.

Biesecker Lab/Clinical Genomics Section, National Institutes of Health
Classification: Likely benign. Last evaluated: 2013-06-24. Review status: criteria provided, single submitter. Criteria: Ng et al. (Circ Cardiovasc Genet. 2013). Collection method: research. Allele origin: unknown. Observed: 2 variant alleles. Study: ClinSeq.
Comment: The study set was not selected for affection status in relation to any cancer. Pathogenicity categories were based on literature curation. See Pubmed ID:23861362 for details.

Medical sequencing

PreventionGenetics, part of Exact Sciences
Classification: Likely benign for TTN-related condition. Last evaluated: 2020-10-12. Review status: no assertion criteria provided. Collection method: clinical testing. Allele origin: germline. Not counted in ClinVar's aggregate classification.
Comment: This variant is classified as likely benign based on ACMG/AMP sequence variant interpretation guidelines (Richards et al. 2015 PMID: 25741868, with internal and published modifications).

Clinical Genetics DNA and cytogenetics Diagnostics Lab, Erasmus MC, Erasmus Medical Center
Classification: Likely benign. Review status: no assertion criteria provided. Collection method: clinical testing. Allele origin: germline. Affected: yes. Study: VKGL Data-share Consensus. Not counted in ClinVar's aggregate classification.

Clinical Genetics, Academic Medical Center
Classification: Likely benign. Review status: no assertion criteria provided. Collection method: clinical testing. Allele origin: germline. Affected: yes. Study: VKGL Data-share Consensus. Not counted in ClinVar's aggregate classification.

Diagnostic Laboratory, Department of Genetics, University Medical Center Groningen
Classification: Likely benign. Review status: no assertion criteria provided. Collection method: clinical testing. Allele origin: germline. Affected: yes. Study: VKGL Data-share Consensus. Not counted in ClinVar's aggregate classification.

Genome Diagnostics Laboratory, University Medical Center Utrecht
Classification: Likely benign. Review status: no assertion criteria provided. Collection method: clinical testing. Allele origin: germline. Affected: yes. Study: VKGL Data-share Consensus. Not counted in ClinVar's aggregate classification.

Joint Genome Diagnostic Labs from Nijmegen and Maastricht, Radboudumc and MUMC+
Classification: Likely benign. Review status: no assertion criteria provided. Collection method: clinical testing. Allele origin: germline. Affected: yes. Study: VKGL Data-share Consensus. Not counted in ClinVar's aggregate classification.